The following is an entry in ClinVar:

ClinVar aggregate classification (germline): Uncertain significance. Review status: criteria provided, multiple submitters, no conflicts (2 of 4 stars). 3 submissions from 3 submitters: Uncertain significance (3). Last evaluated 2020-07-31.

Conditions:
Long QT syndrome (LQTS). Identifiers: MedGen C0023976, MeSH D008133, MONDO:0002442. Disease mechanism: loss of function. Inheritance: Various modes of inheritance.

Allele frequency attached by ClinVar (database versions not stated): gnomAD exomes below 0.00001 and 0.00001; ExAC 0.00001; gnomAD 0.00001; TOPMed 0.00001.
gnomAD v4.1: 8 of 1,614,010 alleles (0.0005%); highest among the groups gnomAD compares: South Asian, 0.0011%; no homozygotes.

Submissions (3):

Labcorp Genetics (formerly Invitae), Labcorp
Classification: Uncertain significance for Long QT syndrome. Last evaluated: 2020-07-31. Review status: criteria provided, single submitter. Criteria: Invitae Variant Classification Sherloc (09022015). Collection method: clinical testing. Allele origin: germline.
Comment: In summary, the available evidence is currently insufficient to determine the role of this variant in disease. Therefore, it has been classified as a Variant of Uncertain Significance. Algorithms developed to predict the effect of sequence changes on RNA splicing suggest that this variant may create or strengthen a splice site, but this prediction has not been confirmed by published transcriptional studies. Algorithms developed to predict the effect of missense changes on protein structure and function are either unavailable or do not agree on the potential impact of this missense change (SIFT: "Deleterious"; PolyPhen-2: "Possibly Damaging"; Align-GVGD: "Class C0"). This variant has not been reported in the literature in individuals with SNTA1-related conditions. ClinVar contains an entry for this variant (Variation ID: 191510). This variant is present in population databases (rs201405395, ExAC 0.002%). This sequence change replaces glycine with arginine at codon 182 of the SNTA1 protein (p.Gly182Arg). The glycine residue is moderately conserved and there is a moderate physicochemical difference between glycine and arginine.

GeneDx
Classification: Uncertain significance. Last evaluated: 2017-08-31. Review status: criteria provided, single submitter. Criteria: GeneDx Variant Classification (06012015). Collection method: clinical testing. Allele origin: germline. Affected: yes.
Comment: A variant of uncertain significance has been identified in the SNTA1 gene. The G182R variant has been observed in at least one individual from a cohort of individuals not selected for cardiomyopathy, arrhythmia, or family history of sudden cardiac death, who underwent exome sequencing (Ng et al., 2013); however, a follow-up cardiac evaluation was not reported. The G182R variant is not observed at a significant frequency in large population cohorts (Lek et al., 2016; 1000 Genomes Consortium et al., 2015; Exome Variant Server). The G182R variant is a non-conservative amino acid substitution, which is likely to impact secondary protein structure as these residues differ in polarity, charge, size and/or other properties. This substitution occurs at a position that is conserved in mammals, though arginine (R) is the wild-type amino acid in at least two species. Consequently, in silico analysis is inconsistent in its predictions as to whether or not the variant is damaging to the protein structure/function.

Biesecker Lab/Clinical Genomics Section, National Institutes of Health
Classification: Uncertain significance. Last evaluated: 2013-06-24. Review status: criteria provided, single submitter. Criteria: Ng et al. (Circ Cardiovasc Genet. 2013). Collection method: research. Allele origin: unknown. Observed: 1 variant allele. Study: ClinSeq.
Comment: The study set was not selected for affection status in relation to any cancer. Pathogenicity categories were based on literature curation. See Pubmed ID:23861362 for details.

Medical sequencing

NM_003098.3(SNTA1):c.544G>A (p.Gly182Arg)

Gene: SNTA1 (syntrophin alpha 1; minus strand). Cytogenetic location: 20q11.21.
Variant type: single nucleotide variant.
Coding change: c.544G>A on transcript NM_003098.3 (MANE Select); coding-DNA position 544, G replaced by A.
Protein change: p.Gly182Arg; replaces glycine 182 with arginine.
Molecular consequence: missense variant.
Genome position (GRCh38, 1-based): chr20:33,417,876, C>T on the plus strand (G>A on the coding strand, the complement: SNTA1 is on the minus strand). VCF-style: chr20-33417876-C-T. GRCh37 (hg19) VCF-style: chr20-32005682-C-T.
Other names: short protein forms G182R.
Identifiers: ClinVar variation 191510 (VCV000191510.10), dbSNP rs201405395, ClinGen allele CA236843.
Genomic context (GRCh38, chr20:33,417,876, plus strand): 5'-GGGAGGAAGGCTGCCGCTGAAGGGGTGAGGCAGGAGGTGAGTCCCAGCCGACCGAGGTCC[C>T]ACCAGTAGAGTTCTTGAAATACGGTGAGACGTCCTTCATATACTTGACTGATTGGGAGAG-3'
Protein context (NP_003089.1, residues 172-192): VSPYFKNSTG[Gly182Arg]TSVGWDSPPA